The following is an entry in ClinVar:

ClinVar aggregate classification (germline): Uncertain significance (1 of 4 stars; one submission).

Conditions:
Joubert syndrome 18 (JBTS18). Identifiers: Orphanet 2754, MedGen C3553758, MONDO:0013896, OMIM 614815.
Orofacial-digital syndrome IV (OFD4). Also called: BARAITSER-BURN SYNDROME; OFD SYNDROME WITH TIBIAL DEFECTS; OFD SYNDROME, BARAITSER-BURN TYPE; OFDS IV; ORAL-FACIAL-DIGITAL SYNDROME, TYPE IV; Orofaciodigital syndrome IV. Identifiers: Orphanet 2753, MedGen C0406727, MONDO:0009794, OMIM 258860.

Submission:

Labcorp Genetics (formerly Invitae), Labcorp
Classification: Uncertain significance for Joubert syndrome 18; Orofacial-digital syndrome IV. Last evaluated: 2022-11-01. Review status: criteria provided, single submitter. Criteria: Invitae Variant Classification Sherloc (09022015). Collection method: clinical testing. Allele origin: germline.
Comment: In summary, the available evidence is currently insufficient to determine the role of this variant in disease. Therefore, it has been classified as a Variant of Uncertain Significance. Algorithms developed to predict the effect of sequence changes on RNA splicing suggest that this variant may create or strengthen a splice site. Advanced modeling of protein sequence and biophysical properties (such as structural, functional, and spatial information, amino acid conservation, physicochemical variation, residue mobility, and thermodynamic stability) performed at Invitae indicates that this missense variant is not expected to disrupt TCTN3 protein function. This variant has not been reported in the literature in individuals affected with TCTN3-related conditions. This variant is not present in population databases (gnomAD no frequency). This sequence change replaces valine, which is neutral and non-polar, with glycine, which is neutral and non-polar, at codon 387 of the TCTN3 protein (p.Val387Gly).

NM_015631.6(TCTN3):c.1160T>G (p.Val387Gly)

Gene: TCTN3 (tectonic family member 3; minus strand). Cytogenetic location: 10q24.1.
Variant type: single nucleotide variant.
Coding change: c.1160T>G on transcript NM_015631.6 (MANE Select); coding-DNA position 1160, T replaced by G.
Protein change: p.Val387Gly; replaces valine 387 with glycine.
Molecular consequence: missense variant.
Genome position (GRCh38, 1-based): chr10:95,683,565, A>C on the plus strand (T>G on the coding strand, the complement: TCTN3 is on the minus strand). VCF-style: chr10-95683565-A-C. GRCh37 (hg19) VCF-style: chr10-97443322-A-C.
Other names: c.1214T>G, p.Val405Gly (NM_001013840.1); c.716T>G, p.Val239Gly (NM_001143973.2); c.1079T>G, p.Val360Gly (NM_001410982.1); short protein forms V239G, V405G, V360G, V387G.
Identifiers: ClinVar variation 2169702 (VCV002169702.4), dbSNP rs756610295, ClinGen allele CA377704485.